The following is an entry in ClinVar:

ClinVar aggregate classification (germline): Uncertain significance (1 of 4 stars; one submission).

Conditions:
Cortical dysplasia-focal epilepsy syndrome (PTHSL1). Also called: Pitt-Hopkins-like syndrome 1. Identifiers: Orphanet 163681, Orphanet 221150, MedGen C2750246, MONDO:0012400, OMIM 610042.

Allele frequency attached by ClinVar (database versions not stated): gnomAD exomes below 0.00001.
gnomAD v4.1: 3 of 1,613,672 alleles (0.00019%); highest among the groups gnomAD compares: Non-Finnish European, 0.00025%; no homozygotes.

Submission:

Labcorp Genetics (formerly Invitae), Labcorp
Classification: Uncertain significance for Cortical dysplasia-focal epilepsy syndrome. Last evaluated: 2022-10-13. Review status: criteria provided, single submitter. Criteria: Invitae Variant Classification Sherloc (09022015). Collection method: clinical testing. Allele origin: germline.
Comment: This sequence change replaces phenylalanine, which is neutral and non-polar, with leucine, which is neutral and non-polar, at codon 200 of the CNTNAP2 protein (p.Phe200Leu). This variant is not present in population databases (gnomAD no frequency). This variant has not been reported in the literature in individuals affected with CNTNAP2-related conditions. ClinVar contains an entry for this variant (Variation ID: 952072). Algorithms developed to predict the effect of missense changes on protein structure and function are either unavailable or do not agree on the potential impact of this missense change (SIFT: "Deleterious"; PolyPhen-2: "Benign"; Align-GVGD: "Class C0"). Algorithms developed to predict the effect of sequence changes on RNA splicing suggest that this variant may disrupt the consensus splice site. In summary, the available evidence is currently insufficient to determine the role of this variant in disease. Therefore, it has been classified as a Variant of Uncertain Significance.

NM_014141.6(CNTNAP2):c.598T>C (p.Phe200Leu)

Gene: CNTNAP2 (contactin associated protein 2; plus strand). Cytogenetic location: 7q35.
Variant type: single nucleotide variant.
Coding change: c.598T>C on transcript NM_014141.6 (MANE Select); coding-DNA position 598, T replaced by C.
Protein change: p.Phe200Leu; replaces phenylalanine 200 with leucine.
Molecular consequence: missense variant.
Genome position (GRCh38, 1-based): chr7:147,108,194, T>C. VCF-style: chr7-147108194-T-C. GRCh37 (hg19) VCF-style: chr7-146805286-T-C.
Other names: short protein forms F200L.
Identifiers: ClinVar variation 952072 (VCV000952072.7), dbSNP rs1800804553, ClinGen allele CA369923027.
Genomic context (GRCh38, chr7:147,108,194, plus strand): 5'-TTTTTTGTTTTAGGGGCTGATGTTATCAACTTTGATGGCCATGTTGTATTACCATATAGA[T>C]TCAGAAACAAGAAGATGAAAACACTGAAAGATGTCATTGCCTTGAACTTTAAGACGTCTG-3'
Protein context (NP_054860.1, residues 190-210): FDGHVVLPYR[Phe200Leu]RNKKMKTLKD